The following is an entry in ClinVar:

ClinVar aggregate classification (germline): Conflicting classifications of pathogenicity. Review status: criteria provided, conflicting classifications (1 of 4 stars). 5 submissions from 5 submitters: Uncertain significance (4); Likely benign (1). Last evaluated 2026-05-14.

Conditions:
Obesity due to leptin receptor gene deficiency. Identifiers: Orphanet 179494, MedGen C3554225, MONDO:0013992, OMIM 614963.
LEPR-related disorder. Also called: LEPR-related condition; LEPR-related disorders.

Allele frequency attached by ClinVar (database versions not stated): ExAC 0.00021; gnomAD exomes 0.00026 and 0.00065; TOPMed 0.00043; ESP Exome Variant Server 0.00077.

Submissions (5):

PreventionGenetics, part of Exact Sciences
Classification: Uncertain significance for LEPR-related condition. Last evaluated: 2026-05-14. Review status: criteria provided, single submitter. Criteria: ACMG Guidelines, 2015. Collection method: clinical testing. Allele origin: germline.
Comment: The LEPR c.1030G>A variant is predicted to result in the amino acid substitution p.Val344Ile. This variant was previously reported in the heterozygous state in one individual with severe obesity; however, this variant was also reported in one individual in the normal-weight control group in the same study (Branson et al. 2003. PubMed ID: 12646666). In another study, this variant was observed in a cohort of individuals with obesity, and in vitro functional studies showed inconclusive evidence of loss of function (Supplemental Data Set, Shah et al. 2023. PubMed ID: 36864747). This variant is reported in 0.054% of alleles in individuals of European (Non-Finnish) descent in gnomAD. Although we suspect that this variant may be benign, at this time, the clinical significance of this variant is uncertain due to the absence of conclusive functional and genetic evidence.

Labcorp Genetics (formerly Invitae), Labcorp
Classification: Likely benign. Last evaluated: 2025-07-30. Review status: criteria provided, single submitter. Criteria: Invitae Variant Classification Sherloc (09022015). Collection method: clinical testing. Allele origin: germline.

Blueprint Genetics
Classification: Uncertain significance. Last evaluated: 2024-08-28. Review status: criteria provided, single submitter. Criteria: ACMG Guidelines, 2015. Collection method: clinical testing. Allele origin: germline.

Greenwood Genetic Center Diagnostic Laboratories, Greenwood Genetic Center
Classification: Uncertain significance. Last evaluated: 2022-11-03. Review status: criteria provided, single submitter. Criteria: ACMG Guidelines, 2015. Collection method: clinical testing. Allele origin: germline. Affected: yes.
Comment: No Applicable ACMG Criteria

Illumina Laboratory Services, Illumina
Classification: Uncertain significance for Obesity due to leptin receptor gene deficiency. Last evaluated: 2017-04-27. Review status: criteria provided, single submitter. Criteria: ICSL Variant Classification Criteria 13 December 2019. Collection method: clinical testing. Allele origin: germline.
Comment: This variant was observed as part of a predisposition screen in an ostensibly healthy population. A literature search was performed for the gene, cDNA change, and amino acid change (where applicable). Publications were found based on this search. However, the evidence from the literature, in combination with allele frequency data from public databases where available, was not sufficient to rule this variant in or out of causing disease. Therefore, this variant is classified as a variant of unknown significance.

Literature cited by the submitters: PubMed 12646666 (cited by Illumina Laboratory Services, Illumina).

NM_002303.6(LEPR):c.1030G>A (p.Val344Ile)

Gene: LEPR (leptin receptor; plus strand). Cytogenetic location: 1p31.3.
Variant type: single nucleotide variant.
Coding change: c.1030G>A on transcript NM_002303.6 (MANE Select); coding-DNA position 1030, G replaced by A.
Protein change: p.Val344Ile; replaces valine 344 with isoleucine.
Molecular consequence: missense variant.
Genome position (GRCh38, 1-based): chr1:65,601,427, G>A. VCF-style: chr1-65601427-G-A. GRCh37 (hg19) VCF-style: chr1-66067110-G-A.
Other names: c.1030G>A, p.Val344Ile (NM_001003679.3, NM_001003680.3, NM_001198687.2 and 2 more transcripts); short protein forms V344I.
Identifiers: ClinVar variation 874015 (VCV000874015.15), dbSNP rs145668112, ClinGen allele CA894715.
Genomic context (GRCh38, chr1:65,601,427, plus strand): 5'-GATATCCTTTCTTCCCTCATTACAGATGTCATATACTTTCCACCTAAAATTCTGACAAGT[G>A]TTGGGTCTAATGTTTCTTTTCACTGCATCTATAAGAAGGAAAACAAGATTGTTCCCTCAA-3'
Protein context (NP_002294.2, residues 334-354): IYFPPKILTS[Val344Ile]GSNVSFHCIY